The following is an entry in ClinVar:

ClinVar aggregate classification (germline): Pathogenic. Review status: criteria provided, single submitter (1 of 4 stars). 2 submissions from 2 submitters: Pathogenic (1). 1 of the submissions does not count toward it. Last evaluated 2022-09-22.

Conditions:
Farber lipogranulomatosis (FRBRL). Also called: Farber's lipogranulomatosis; AC DEFICIENCY; ACID CERAMIDASE DEFICIENCY; CERAMIDASE DEFICIENCY; N-LAURYLSPHINGOSINE DEACYLASE DEFICIENCY; Farber's disease. Identifiers: Orphanet 333, MedGen C0268255, MONDO:0009218, OMIM 228000.

Submissions (2):

Labcorp Genetics (formerly Invitae), Labcorp
Classification: Pathogenic. Last evaluated: 2022-09-22. Review status: criteria provided, single submitter. Criteria: Invitae Variant Classification Sherloc (09022015). Collection method: clinical testing. Allele origin: germline.
Comment: For these reasons, this variant has been classified as Pathogenic. This sequence change replaces glycine, which is neutral and non-polar, with arginine, which is basic and polar, at codon 235 of the ASAH1 protein (p.Gly235Arg). This variant also falls at the last nucleotide of exon 9, which is part of the consensus splice site for this exon. This variant is not present in population databases (gnomAD no frequency). This missense change has been observed in individual(s) with ASAH1-related conditions (PMID: 12638942, 24355074, 27411168). In at least one individual the data is consistent with being in trans (on the opposite chromosome) from a pathogenic variant. ClinVar contains an entry for this variant (Variation ID: 545563). Algorithms developed to predict the effect of missense changes on protein structure and function are either unavailable or do not agree on the potential impact of this missense change (SIFT: "Deleterious"; PolyPhen-2: "Probably Damaging"; Align-GVGD: "Class C15"). Experimental studies have shown that this missense change affects ASAH1 function (PMID: 12638942). Variants that disrupt the consensus splice site are a relatively common cause of aberrant splicing (PMID: 17576681, 9536098).

GeneReviews
No classification provided. Condition: Farber lipogranulomatosis. Review status: no classification provided. Collection method: literature only. Allele origin: germline. Not counted in ClinVar's aggregate classification.

Literature cited by the submitters: PubMed 12638942 (cited by Labcorp Genetics (formerly Invitae), Labcorp); PubMed 24355074 (cited by Labcorp Genetics (formerly Invitae), Labcorp); PubMed 27411168 (cited by Labcorp Genetics (formerly Invitae), Labcorp); PubMed 17576681 (cited by Labcorp Genetics (formerly Invitae), Labcorp); PubMed 9536098 (cited by Labcorp Genetics (formerly Invitae), Labcorp); NCBI Bookshelf NBK00000 (cited by GeneReviews).

NM_177924.5(ASAH1):c.703G>C (p.Gly235Arg)

Gene: ASAH1 (N-acylsphingosine amidohydrolase 1; minus strand). Cytogenetic location: 8p22.
Variant type: single nucleotide variant.
Coding change: c.703G>C on transcript NM_177924.5 (MANE Select); coding-DNA position 703, G replaced by C.
Protein change: p.Gly235Arg; replaces glycine 235 with arginine.
Molecular consequence: missense variant.
Genome position (GRCh38, 1-based): chr8:18,061,686, C>G on the plus strand (G>C on the coding strand, the complement: ASAH1 is on the minus strand). VCF-style: chr8-18061686-C-G. GRCh37 (hg19) VCF-style: chr8-17919195-C-G.
Other names: c.685G>C, p.Gly229Arg (NM_001127505.3); c.508G>C, p.Gly170Arg (NM_001363743.2); c.751G>C, p.Gly251Arg (NM_004315.6); short protein forms G235R, G251R, G170R, G229R.
Identifiers: ClinVar variation 545563 (VCV000545563.9), dbSNP rs1554808625, ClinGen allele CA370429556.
Genomic context (GRCh38, chr8:18,061,686, plus strand): 5'-CCAGCCTTCCTCATAAAAAAGCTCTGAGATTCCCATTTCACTTGAGAATGCTCTACTTAC[C>G]CAGATAACCACCATTTATACTGAAACGTTCATTCAGTGTAAGACTGAACAGTCCCTGAGA-3'
Protein context (NP_808592.2, residues 225-245): ERFSINGGYL[Gly235Arg]ILEWILGKKD